The following is an entry in ClinVar:

ClinVar aggregate classification (germline): Conflicting classifications of pathogenicity. Review status: criteria provided, conflicting classifications (1 of 4 stars). 2 submissions from 2 submitters: Uncertain significance (1); Benign (1). Last evaluated 2025-11-10.

Conditions:
Neurodevelopmental disorder with or without hyperkinetic movements and seizures, autosomal dominant. Also called: Intellectual disability, autosomal dominant 8. Identifiers: MedGen C3280282, MONDO:0013655, OMIM 614254.

Allele frequency attached by ClinVar (database versions not stated): gnomAD 0.00001; TOPMed 0.00001; ExAC 0.00005; gnomAD exomes 0.00005 and 0.00009; ESP Exome Variant Server 0.00008.
gnomAD v4.1: 136 of 1,613,582 alleles (0.0084%); highest among the groups gnomAD compares: Non-Finnish European, 0.011%; no homozygotes.

Submissions (2):

Labcorp Genetics (formerly Invitae), Labcorp
Classification: Benign for Neurodevelopmental disorder with or without hyperkinetic movements and seizures, autosomal dominant. Last evaluated: 2025-11-10. Review status: criteria provided, single submitter. Criteria: Invitae Variant Classification Sherloc (09022015). Collection method: clinical testing. Allele origin: germline.

GeneDx
Classification: Uncertain significance. Last evaluated: 2025-05-20. Review status: criteria provided, single submitter. Criteria: GeneDx Variant Classification Process June 2021. Collection method: clinical testing. Allele origin: germline. Affected: yes.
Comment: In silico analysis supports a deleterious effect on splicing; Has not been previously published as pathogenic or benign to our knowledge

NM_007327.4(GRIN1):c.237C>T (p.Cys79=)

Gene: GRIN1 (glutamate ionotropic receptor NMDA type subunit 1; plus strand). Cytogenetic location: 9q34.3.
Variant type: single nucleotide variant.
Coding change: c.237C>T on transcript NM_007327.4 (MANE Select); coding-DNA position 237, C replaced by T.
Protein change: p.Cys79=; no amino-acid change (cysteine 79 retained).
Molecular consequence: synonymous variant.
Genome position (GRCh38, 1-based): chr9:137,139,723, C>T. VCF-style: chr9-137139723-C-T. GRCh37 (hg19) VCF-style: chr9-140034175-C-T.
Other names: c.237C>T, p.Cys79= (NM_000832.7, NM_001185090.2, NM_001185091.2 and 1 more transcripts).
Identifiers: ClinVar variation 472575 (VCV000472575.13), dbSNP rs200529044, ClinGen allele CA5360589.